The following is an entry in ClinVar:

NM_001909.5(CTSD):c.829G>A (p.Val277Met)

Gene: CTSD (cathepsin D; minus strand). Cytogenetic location: 11p15.5.
Variant type: single nucleotide variant.
Coding change: c.829G>A on transcript NM_001909.5 (MANE Select); coding-DNA position 829, G replaced by A.
Protein change: p.Val277Met; replaces valine 277 with methionine.
Molecular consequence: missense variant.
Genome position (GRCh38, 1-based): chr11:1,754,137, C>T on the plus strand (G>A on the coding strand, the complement: CTSD is on the minus strand). VCF-style: chr11-1754137-C-T. GRCh37 (hg19) VCF-style: chr11-1775367-C-T.
Other names: short protein forms V277M.
Identifiers: ClinVar variation 840289 (VCV000840289.9), dbSNP rs372319807, ClinGen allele CA216169946.

ClinVar aggregate classification (germline): Uncertain significance. Review status: criteria provided, multiple submitters, no conflicts (2 of 4 stars). 3 submissions from 3 submitters: Uncertain significance (3). Last evaluated 2025-08-31.

Conditions:
Inborn genetic diseases. Identifiers: MedGen C0950123, MeSH D030342.
Neuronal ceroid lipofuscinosis. Also called: Neuronal Ceroid Lipofuscinoses. Identifiers: Orphanet 216, Orphanet 79263, MedGen C0027877, MONDO:0016295. Disease mechanism: loss of function.

Allele frequency attached by ClinVar (database versions not stated): gnomAD 0.00001; TOPMed 0.00001.
gnomAD v4.1: 4 of 1,608,386 alleles (0.00025%); highest among the groups gnomAD compares: East Asian, 0.0022%; no homozygotes.

Submissions (3):

Ambry Genetics
Classification: Uncertain significance for Inborn genetic diseases. Last evaluated: 2025-08-31. Review status: criteria provided, single submitter. Criteria: Ambry Variant Classification Scheme 2023. Collection method: clinical testing. Allele origin: germline.

Labcorp Genetics (formerly Invitae), Labcorp
Classification: Uncertain significance for Neuronal ceroid lipofuscinosis. Last evaluated: 2021-08-28. Review status: criteria provided, single submitter. Criteria: Invitae Variant Classification Sherloc (09022015). Collection method: clinical testing. Allele origin: germline.
Comment: This sequence change replaces valine with methionine at codon 277 of the CTSD protein (p.Val277Met). The valine residue is moderately conserved and there is a small physicochemical difference between valine and methionine. This variant is not present in population databases (ExAC no frequency). This variant has not been reported in the literature in individuals affected with CTSD-related conditions. Algorithms developed to predict the effect of missense changes on protein structure and function are either unavailable or do not agree on the potential impact of this missense change (SIFT: "Deleterious"; PolyPhen-2: "Benign"; Align-GVGD: "Class C0"). In summary, the available evidence is currently insufficient to determine the role of this variant in disease. Therefore, it has been classified as a Variant of Uncertain Significance.

Blueprint Genetics
Classification: Uncertain significance. Last evaluated: 2019-10-30. Review status: criteria provided, single submitter. Criteria: ACMG Guidelines, 2015. Collection method: clinical testing. Allele origin: germline.